The following is an entry in ClinVar:

NM_001792.5(CDH2):c.2012T>C (p.Leu671Pro)

Gene: CDH2 (cadherin 2; minus strand). Cytogenetic location: 18q12.1.
Variant type: single nucleotide variant.
Coding change: c.2012T>C on transcript NM_001792.5 (MANE Select); coding-DNA position 2012, T replaced by C.
Protein change: p.Leu671Pro; replaces leucine 671 with proline.
Molecular consequence: missense variant.
Genome position (GRCh38, 1-based): chr18:27,985,197, A>G on the plus strand (T>C on the coding strand, the complement: CDH2 is on the minus strand). VCF-style: chr18-27985197-A-G. GRCh37 (hg19) VCF-style: chr18-25565161-A-G.
Other names: c.1919T>C, p.Leu640Pro (NM_001308176.2); short protein forms L640P, L671P.
Identifiers: ClinVar variation 3347120 (VCV003347120.1).

ClinVar aggregate classification (germline): Uncertain significance (0 of 4 stars; one submission).

Conditions:
CDH2-related disorder. Also called: CDH2-related condition.

Submission:

PreventionGenetics, part of Exact Sciences
Classification: Uncertain significance for CDH2-related condition. Last evaluated: 2024-04-23. Review status: no assertion criteria provided. Collection method: clinical testing. Allele origin: germline.
Comment: The CDH2 c.2012T>C variant is predicted to result in the amino acid substitution p.Leu671Pro. To our knowledge, this variant has not been reported in the literature or in a large population database, indicating this variant is rare. At this time, the clinical significance of this variant is uncertain due to the absence of conclusive functional and genetic evidence.